The following is an entry in ClinVar:

NM_000257.4(MYH7):c.5397A>G (p.Glu1799=)

Gene: MYH7 (myosin heavy chain 7; minus strand). Cytogenetic location: 14q11.2.
Variant type: single nucleotide variant.
Coding change: c.5397A>G on transcript NM_000257.4 (MANE Select); coding-DNA position 5397, A replaced by G.
Protein change: p.Glu1799=; no amino-acid change (glutamic acid 1799 retained).
Molecular consequence: synonymous variant.
Genome position (GRCh38, 1-based): chr14:23,415,157, T>C on the plus strand (A>G on the coding strand, the complement: MYH7 is on the minus strand). VCF-style: chr14-23415157-T-C. GRCh37 (hg19) VCF-style: chr14-23884366-T-C.
Identifiers: ClinVar variation 43068 (VCV000043068.25), dbSNP rs200374977, ClinGen allele CA016055.

ClinVar aggregate classification (germline): Likely benign. Review status: criteria provided, multiple submitters, no conflicts (2 of 4 stars). 11 submissions from 11 submitters: Likely benign (10). 1 of the submissions does not count toward it. Last evaluated 2026-01-26.

Conditions:
MYH7-related disorder. Also called: MYH7-related condition; MYH7-related disease; MYH7-related disorders.
Cardiovascular phenotype. Identifiers: MedGen CN230736.
Cardiomyopathy (CMYO). Also called: Cardiomyopathies. Identifiers: Orphanet 167848, MedGen C0878544, MONDO:0004994, HP:0001638. Inheritance: Various modes of inheritance.
Hypertrophic cardiomyopathy. Also called: HYPERTROPHIC MYOCARDIOPATHY. Identifiers: Orphanet 217569, MedGen C0007194, MeSH D002312, MONDO:0005045, HP:0001639.

Allele frequency attached by ClinVar (database versions not stated): TOPMed 0.00005; ExAC 0.00006; gnomAD 0.00006 and 0.00007; gnomAD exomes 0.00007.
gnomAD v4.1: 107 of 1,614,084 alleles (0.0066%); highest among the groups gnomAD compares: South Asian, 0.019%; no homozygotes.

Submissions (11):

Labcorp Genetics (formerly Invitae), Labcorp
Classification: Likely benign for Hypertrophic cardiomyopathy. Last evaluated: 2026-01-26. Review status: criteria provided, single submitter. Criteria: Invitae Variant Classification Sherloc (09022015). Collection method: clinical testing. Allele origin: germline.

Ambry Genetics
Classification: Likely benign for Cardiovascular phenotype. Last evaluated: 2025-07-21. Review status: criteria provided, single submitter. Criteria: Ambry Variant Classification Scheme 2023. Collection method: clinical testing. Allele origin: germline.

Women's Health and Genetics/Laboratory Corporation of America, LabCorp
Classification: Likely benign. Last evaluated: 2024-12-06. Review status: criteria provided, single submitter. Criteria: LabCorp Variant Classification Summary - May 2015. Collection method: clinical testing. Allele origin: germline.

Blueprint Genetics
Classification: Likely benign. Last evaluated: 2024-09-05. Review status: criteria provided, single submitter. Criteria: ACMG Guidelines, 2015. Collection method: clinical testing. Allele origin: germline.

All of Us Research Program, National Institutes of Health
Classification: Likely benign for Cardiomyopathy. Last evaluated: 2023-12-01. Review status: criteria provided, single submitter. Criteria: ACMG Guidelines, 2015. Collection method: clinical testing. Allele origin: germline. Inheritance: Autosomal dominant inheritance. Observed: 11 variant alleles, 11 heterozygotes.
Comment: This study involves interpretation of variants in research participants for the purpose of population health screening. Participant phenotype was not available at the time of variant classification. Additional details can be found in publication PMID: 35346344, PMCID: PMC8962531

CHEO Genetics Diagnostic Laboratory, Children's Hospital of Eastern Ontario
Classification: Likely benign for Cardiomyopathy. Last evaluated: 2023-05-11. Review status: criteria provided, single submitter. Criteria: ACMG Guidelines, 2015. Collection method: clinical testing. Allele origin: germline.

GeneDx
Classification: Likely benign. Last evaluated: 2019-08-12. Review status: criteria provided, single submitter. Criteria: GeneDx Variant Classification Process June 2021. Collection method: clinical testing. Allele origin: germline. Affected: yes.
Comment: This variant is associated with the following publications: (PMID: 15769782, 24503780)

Color Diagnostics, LLC DBA Color Health
Classification: Likely benign for Cardiomyopathy. Last evaluated: 2019-02-21. Review status: criteria provided, single submitter. Criteria: ACMG Guidelines, 2015. Collection method: clinical testing. Allele origin: germline.

Laboratory for Molecular Medicine, Mass General Brigham Personalized Medicine
Classification: Likely benign. Last evaluated: 2015-10-01. Review status: criteria provided, single submitter. Criteria: LMM Criteria. Collection method: clinical testing. Allele origin: germline. Observed: 3 variant alleles.
Comment: p.Glu1799Glu in exon 37 of MYH7: This variant is not expected to have clinical s ignificance because it does not alter an amino acid residue and is not located w ithin the splice consensus sequence.

Breakthrough Genomics
Classification: Likely benign. Review status: criteria provided, single submitter. Criteria: ACMG Guidelines, 2015. Collection method: not provided. Allele origin: germline. Inheritance: Autosomal recessive inheritance. Affected: yes.

PreventionGenetics, part of Exact Sciences
Classification: Likely benign for MYH7-related condition. Last evaluated: 2020-09-01. Review status: no assertion criteria provided. Collection method: clinical testing. Allele origin: germline. Not counted in ClinVar's aggregate classification.
Comment: This variant is classified as likely benign based on ACMG/AMP sequence variant interpretation guidelines (Richards et al. 2015 PMID: 25741868, with internal and published modifications).

Literature cited by the submitters: PubMed 24503780 (cited by Ambry Genetics); PubMed 15769782 (cited by Women's Health and Genetics/Laboratory Corporation of America, LabCorp).